The following is an entry in ClinVar:

ClinVar aggregate classification (germline): Pathogenic. Review status: criteria provided, single submitter (1 of 4 stars). 2 submissions from 1 submitter: Pathogenic (2). Last evaluated 2022-10-17.

Conditions:
Neuropathy, hereditary sensory and autonomic, type 2A (HSAN2A). Also called: HSAN IIA; ACROOSTEOLYSIS, GIACCAI TYPE; ACROOSTEOLYSIS, NEUROGENIC; MORVAN DISEASE; NEUROPATHY, CONGENITAL SENSORY; NEUROPATHY, HEREDITARY SENSORY RADICULAR, AUTOSOMAL RECESSIVE. Identifiers: Orphanet 970, MedGen C2752089, MONDO:0024309, OMIM 201300.
Generalized epilepsy with febrile seizures plus, type 7 (GEFSP7). Also called: GEFS+, TYPE 7. Identifiers: Orphanet 36387, MedGen C2751778, MONDO:0013470, OMIM 613863.
Developmental and epileptic encephalopathy. Identifiers: MedGen C5779964, MONDO:0100620.

Submissions (2):

Labcorp Genetics (formerly Invitae), Labcorp
Classification: Pathogenic for Neuropathy, hereditary sensory and autonomic, type 2A; Generalized epilepsy with febrile seizures plus, type 7. Last evaluated: 2022-10-17. Review status: criteria provided, single submitter. Criteria: Invitae Variant Classification Sherloc (09022015). Collection method: clinical testing. Allele origin: germline.
Comment: This variant is a gross deletion of the genomic region encompassing exon(s) 22-27 of the SCN9A gene, which includes the termination codon. This deletion extends beyond the assayed region for this gene and therefore may encompass additional genes. While this deletion is not anticipated to lead to nonsense mediated decay, it is expected to alter mRNA translation or result in a truncated protein product. For these reasons, this variant has been classified as Pathogenic. This variant disrupts the C-terminus of the SCN9A protein. Other variant(s) that disrupt this region (p.Arg1488*, p.Lys1659*, p.Arg1599*, p.Leu1831*) have been observed in individuals with SCN9A-related conditions (PMID: 17470132, 25439579, 25995458). This suggests that this may be a clinically significant region of the protein. This variant has not been reported in the literature in individuals affected with SCN9A-related conditions.

Labcorp Genetics (formerly Invitae), Labcorp
Classification: Pathogenic for Early-infantile DEE. Last evaluated: 2017-12-14. Review status: criteria provided, single submitter. Criteria: Invitae Variant Classification Sherloc (09022015). Collection method: clinical testing. Allele origin: germline.
Comment: A gross deletion of the genomic region encompassing the full coding sequence of the SCN1A gene has been identified. The boundaries of this event are unknown as the deletion extends beyond the assayed region for this gene and therefore may encompass additional genes. Whole-gene deletions of SCN1A with and without deletion of additional surrounding genes have been reported in individuals affected with Dravet syndrome and myoclonic epilepsy in infancy (PMID: 19400878, 18479393, 25524840, 17561957, 21719429). Loss-of-function variants in SCN1A are known to be pathogenic (PMID: 17347258, 18930999). For these reasons, this variant has been classified as Pathogenic.

Literature cited by the submitters: PubMed 17470132; PubMed 25439579; PubMed 25995458; PubMed 18479393; PubMed 21719429; PubMed 17561957; PubMed 25524840; PubMed 19400878.

NC_000002.12:g.(?_165090130)_(166228992_?)del

Genes: CSRNP3 (cysteine and serine rich nuclear protein 3; plus strand), GALNT3 (polypeptide N-acetylgalactosaminyltransferase 3; minus strand), SCN1A (sodium voltage-gated channel alpha subunit 1; minus strand), SCN1A-AS1 (SCN1A and SCN9A antisense RNA 1; plus strand), SCN2A (sodium voltage-gated channel alpha subunit 2; plus strand) and 14 more. Cytogenetic location: 2q24.3.
Variant type: Deletion.
Identifiers: ClinVar variation 530654 (VCV000530654.5).